The following is an entry in ClinVar:

NM_000548.5(TSC2):c.3990G>T (p.Thr1330=)

Gene: TSC2 (TSC complex subunit 2; plus strand). Cytogenetic location: 16p13.3.
Variant type: single nucleotide variant.
Coding change: c.3990G>T on transcript NM_000548.5 (MANE Select); coding-DNA position 3990, G replaced by T.
Protein change: p.Thr1330=; no amino-acid change (threonine 1330 retained).
Molecular consequence: synonymous variant.
Genome position (GRCh38, 1-based): chr16:2,083,801, G>T. VCF-style: chr16-2083801-G-T. GRCh37 (hg19) VCF-style: chr16-2133802-G-T.
Other names: c.3789G>T, p.Thr1263= (NM_001077183.3); c.3921G>T, p.Thr1307= (NM_001114382.3); c.3681G>T, p.Thr1227= (NM_001318827.2); c.3645G>T, p.Thr1215= (NM_001318829.2); c.3258G>T, p.Thr1086= (NM_001318831.2); c.3822G>T, p.Thr1274= (NM_001318832.2); c.3792G>T, p.Thr1264= (NM_001363528.2); c.3858G>T, p.Thr1286= (NM_001370404.1); and 1 more.
Identifiers: ClinVar variation 1155967 (VCV001155967.13), dbSNP rs369943684, ClinGen allele CA492956847.

ClinVar aggregate classification (germline): Benign/Likely benign. Review status: criteria provided, multiple submitters, no conflicts (2 of 4 stars). 4 submissions from 4 submitters: Benign (1); Likely benign (3). Last evaluated 2025-08-24.

Conditions:
Tuberous sclerosis 2 (TSC2). Identifiers: Orphanet 805, MedGen C1860707, MONDO:0013199, OMIM 613254.
Hereditary cancer-predisposing syndrome. Also called: Hereditary Cancer Syndrome; Hereditary neoplastic syndrome; Neoplastic Syndromes, Hereditary; Tumor predisposition. Identifiers: Orphanet 140162, MedGen C0027672, MeSH D009386, MONDO:0015356.
Tuberous sclerosis syndrome (TSC). Also called: Tuberous Sclerosis Complex; Tuberous sclerosis. Identifiers: Orphanet 805, MedGen C0041341, MONDO:0001734.

gnomAD v4.1: 6 of 1,611,294 alleles (0.00037%); highest among the groups gnomAD compares: Non-Finnish European, 0.00051%; no homozygotes.

Submissions (4):

Labcorp Genetics (formerly Invitae), Labcorp
Classification: Likely benign for Tuberous sclerosis 2. Last evaluated: 2025-08-24. Review status: criteria provided, single submitter. Criteria: Invitae Variant Classification Sherloc (09022015). Collection method: clinical testing. Allele origin: germline.

Myriad Genetics, Inc.
Classification: Benign for Tuberous sclerosis 2. Last evaluated: 2025-06-02. Review status: criteria provided, single submitter. Criteria: Myriad Autosomal Dominant, Autosomal Recessive and X-Linked Classification Criteria (2023). Collection method: clinical testing. Allele origin: unknown.
Comment: This variant is considered benign. This variant is a silent/synonymous amino acid change and it is not expected to impact splicing.

All of Us Research Program, National Institutes of Health
Classification: Likely benign for Tuberous sclerosis syndrome. Last evaluated: 2023-05-04. Review status: criteria provided, single submitter. Criteria: ACMG Guidelines, 2015. Collection method: clinical testing. Allele origin: germline. Inheritance: Autosomal dominant inheritance. Observed: 2 variant alleles, 2 heterozygotes.
Comment: This study involves interpretation of variants in research participants for the purpose of population health screening. Participant phenotype was not available at the time of variant classification. Additional details can be found in publication PMID: 35346344, PMCID: PMC8962531

Ambry Genetics
Classification: Likely benign for Hereditary cancer-predisposing syndrome. Last evaluated: 2016-10-28. Review status: criteria provided, single submitter. Criteria: Ambry Variant Classification Scheme 2023. Collection method: clinical testing. Allele origin: germline.